The following is an entry in ClinVar:

ClinVar aggregate classification (germline): Likely pathogenic. Review status: criteria provided, multiple submitters, no conflicts (2 of 4 stars). 2 submissions from 2 submitters: Likely pathogenic (2). Last evaluated 2021-08-26.

Conditions:
Arthrogryposis multiplex congenita 6. Identifiers: MedGen C5543431, MONDO:0030281, OMIM 619334.
Nemaline myopathy 2 (NEM2). Also called: Nemaline myopathy 2, autosomal recessive. Identifiers: MedGen C1850569, MONDO:0009725, OMIM 256030.

Submissions (2):

Fulgent Genetics
Classification: Likely pathogenic for Nemaline myopathy 2; Arthrogryposis multiplex congenita 6. Last evaluated: 2021-08-26. Review status: criteria provided, single submitter. Criteria: ACMG Guidelines, 2015. Collection method: clinical testing. Allele origin: unknown.

Neuberg Centre For Genomic Medicine, NCGM
Classification: Likely pathogenic for Nemaline myopathy 2. Review status: criteria provided, single submitter. Criteria: ACMG Guidelines, 2015. Collection method: clinical testing. Allele origin: germline. Affected: yes.
Comment: The stop gained p.Q2449* in NEB (NM_001271208.2) has not been reported previously as a pathogenic variant nor as a benign variant, to our knowledge. The p.Q2449* variant is novel (not in any individuals) in gnomAD Exomes and is novel (not in any individuals) in 1000 Genomes. This variant is predicted to cause loss of normal protein function through protein truncation. Loss of function variants have been previously described to be disease causing. For these reasons, this variant has been classified as Likely Pathogenic.

NM_001164508.2(NEB):c.7345C>T (p.Gln2449Ter)

Gene: NEB (nebulin; minus strand). Cytogenetic location: 2q23.3.
Variant type: single nucleotide variant.
Coding change: c.7345C>T on transcript NM_001164508.2 (MANE Select); coding-DNA position 7345, C replaced by T.
Protein change: p.Gln2449Ter; replaces glutamine 2449 with a stop codon.
Molecular consequence: nonsense.
Genome position (GRCh38, 1-based): chr2:151,650,262, G>A on the plus strand (C>T on the coding strand, the complement: NEB is on the minus strand). VCF-style: chr2-151650262-G-A. GRCh37 (hg19) VCF-style: chr2-152506776-G-A.
Other names: c.7345C>T, p.Gln2449Ter (NM_001164507.2, NM_001271208.2, NM_004543.5); short protein forms Q2449*.
Identifiers: ClinVar variation 1339130 (VCV001339130.3), dbSNP rs2154134234, ClinGen allele CA348788072.